The following is an entry in ClinVar:

ClinVar aggregate classification (germline): Likely benign (1 of 4 stars; one submission).

Submission:

CeGaT Center for Human Genetics Tuebingen
Classification: Likely benign. Last evaluated: 2022-04-01. Review status: criteria provided, single submitter. Criteria: CeGaT Center For Human Genetics Tuebingen Variant Classification Criteria Version 2. Collection method: clinical testing. Allele origin: germline. Affected: yes. Observed: 1 variant allele.
Comment: KCNH5: PM2:Supporting, BP4, BP7

NM_139318.5(KCNH5):c.2883A>T (p.Val961=)

Gene: KCNH5 (potassium voltage-gated channel subfamily H member 5; minus strand). Cytogenetic location: 14q23.2.
Variant type: single nucleotide variant.
Coding change: c.2883A>T on transcript NM_139318.5 (MANE Select); coding-DNA position 2883, A replaced by T.
Protein change: p.Val961=; no amino-acid change (valine 961 retained).
Molecular consequence: synonymous variant. On other transcripts: 3 prime UTR variant (1).
Genome position (GRCh38, 1-based): chr14:62,707,592, T>A on the plus strand (A>T on the coding strand, the complement: KCNH5 is on the minus strand). VCF-style: chr14-62707592-T-A. GRCh37 (hg19) VCF-style: chr14-63174310-T-A.
Other names: c.*850A>T (NM_172375.3).
Identifiers: ClinVar variation 2644274 (VCV002644274.24), dbSNP rs2502652230, ClinGen allele CA486974377.